The following is an entry in ClinVar:

NC_000017.10:g.(?_29482991)_(29624377_?)del

Genes: NF1 (neurofibromin 1; plus strand), OMG (oligodendrocyte myelin glycoprotein; minus strand). Cytogenetic location: 17q11.2.
Variant type: Deletion.
Identifiers: ClinVar variation 3242858 (VCV003242858.1).

ClinVar aggregate classification (germline): Pathogenic (1 of 4 stars; one submission).

Conditions:
Neurofibromatosis, type 1 (NF1). Also called: VON RECKLINGHAUSEN DISEASE; Neurofibromatosis, type I; Peripheral type neurofibromatosis; NEUROFIBROMATOSIS, TYPE I, SOMATIC. Identifiers: Orphanet 636, MedGen C0027831, MONDO:0018975, OMIM 162200. Disease mechanism: loss of function.

Submission:

Labcorp Genetics (formerly Invitae), Labcorp
Classification: Pathogenic for Neurofibromatosis, type 1. Last evaluated: 2022-09-13. Review status: criteria provided, single submitter. Criteria: Invitae Variant Classification Sherloc (09022015). Collection method: clinical testing. Allele origin: unknown.
Comment: For these reasons, this variant has been classified as Pathogenic. This variant has not been reported in the literature in individuals affected with NF1-related conditions. This variant is a gross deletion of the genomic region encompassing exon(s) 2-35 of the NF1 gene. This deletion is out-of-frame, and is expected to create a premature termination codon and result in an absent or disrupted protein product. Loss-of-function variants in NF1 are known to be pathogenic (PMID: 10712197, 23913538).

Literature cited by the submitters: PubMed 10712197; PubMed 23913538.